The following is an entry in ClinVar:

ClinVar aggregate classification (germline): Uncertain significance (1 of 4 stars; one submission).

Conditions:
Purine-nucleoside phosphorylase deficiency. Also called: NUCLEOSIDE PHOSPHORYLASE DEFICIENCY; Immunodeficiency due to purine nucleoside phosphorylase deficiency. Identifiers: Orphanet 760, MedGen C0268125, MONDO:0013171, OMIM 613179.

Submission:

Labcorp Genetics (formerly Invitae), Labcorp
Classification: Uncertain significance for Purine-nucleoside phosphorylase deficiency. Last evaluated: 2019-11-05. Review status: criteria provided, single submitter. Criteria: Invitae Variant Classification Sherloc (09022015). Collection method: clinical testing. Allele origin: germline.
Comment: This variant is not present in population databases (ExAC no frequency). This sequence change replaces leucine with phenylalanine at codon 17 of the PNP protein (p.Leu17Phe). The leucine residue is moderately conserved and there is a small physicochemical difference between leucine and phenylalanine. This variant has not been reported in the literature in individuals with PNP-related conditions. Algorithms developed to predict the effect of missense changes on protein structure and function are either unavailable or do not agree on the potential impact of this missense change (SIFT: "Deleterious"; PolyPhen-2: "Probably Damaging"; Align-GVGD: "Class C0"). In summary, the available evidence is currently insufficient to determine the role of this variant in disease. Therefore, it has been classified as a Variant of Uncertain Significance.

NM_000270.4(PNP):c.49C>T (p.Leu17Phe)

Gene: PNP (purine nucleoside phosphorylase; plus strand). Cytogenetic location: 14q11.2.
Variant type: single nucleotide variant.
Coding change: c.49C>T on transcript NM_000270.4 (MANE Select); coding-DNA position 49, C replaced by T.
Protein change: p.Leu17Phe; replaces leucine 17 with phenylalanine.
Molecular consequence: missense variant.
Genome position (GRCh38, 1-based): chr14:20,472,345, C>T. VCF-style: chr14-20472345-C-T. GRCh37 (hg19) VCF-style: chr14-20940504-C-T.
Other names: short protein forms L17F.
Identifiers: ClinVar variation 964110 (VCV000964110.9), dbSNP rs1462377387, ClinGen allele CA389144193.
Genomic context (GRCh38, chr14:20,472,345, plus strand): 5'-CCTTGATATTTTTTCTCCCCCAGATACACCTATGAAGATTATAAGAACACTGCAGAATGG[C>T]TTCTGTCTCACACTAAGCACCGACCTCAAGTTGCAATAATCTGTGGTTCTGGATTAGGAG-3'
Protein context (NP_000261.2, residues 7-27): YEDYKNTAEW[Leu17Phe]LSHTKHRPQV